The following is an entry in ClinVar:

NM_003922.4(HERC1):c.9952C>T (p.Arg3318Ter)

Gene: HERC1 (HECT and RLD domain containing E3 ubiquitin protein ligase family member 1; minus strand). Cytogenetic location: 15q22.31.
Variant type: single nucleotide variant.
Coding change: c.9952C>T on transcript NM_003922.4 (MANE Select); coding-DNA position 9952, C replaced by T.
Protein change: p.Arg3318Ter; replaces arginine 3318 with a stop codon.
Molecular consequence: nonsense.
Genome position (GRCh38, 1-based): chr15:63,655,874, G>A on the plus strand (C>T on the coding strand, the complement: HERC1 is on the minus strand). VCF-style: chr15-63655874-G-A. GRCh37 (hg19) VCF-style: chr15-63948073-G-A.
Other names: short protein forms R3318*.
Identifiers: ClinVar variation 620501 (VCV000620501.3), dbSNP rs757749585, ClinGen allele CA7604587.

ClinVar aggregate classification (germline): Likely pathogenic (1 of 4 stars; one submission).

Allele frequency attached by ClinVar (database versions not stated): gnomAD exomes below 0.00001; ExAC 0.00001.
gnomAD v4.1: 4 of 1,611,546 alleles (0.00025%); highest among the groups gnomAD compares: Non-Finnish European, 0.00025%; no homozygotes.

Submission:

GeneDx
Classification: Likely pathogenic. Last evaluated: 2024-05-07. Review status: criteria provided, single submitter. Criteria: GeneDx Variant Classification Process June 2021. Collection method: clinical testing. Allele origin: germline. Affected: yes.
Comment: Nonsense variant predicted to result in protein truncation or nonsense mediated decay in a gene for which loss of function is a known mechanism of disease; Not observed at significant frequency in large population cohorts (gnomAD); Has not been previously published as pathogenic or benign to our knowledge